The following is an entry in ClinVar:

NM_203447.4(DOCK8):c.3120+116A>T

Gene: DOCK8 (dedicator of cytokinesis 8; plus strand). Cytogenetic location: 9p24.3.
Variant type: single nucleotide variant.
Coding change: c.3120+116A>T on transcript NM_203447.4 (MANE Select); 116 bases into the intron after coding-DNA position 3120, A replaced by T.
Molecular consequence: intron variant.
Genome position (GRCh38, 1-based): chr9:397,050, A>T. VCF-style: chr9-397050-A-T. GRCh37 (hg19) VCF-style: chr9-397050-A-T.
Other names: NC_000009.11:g.397050A>T; c.2916+116A>T (NM_001193536.2); c.2820+116A>T (NM_001190458.2).
Identifiers: ClinVar variation 673884 (VCV000673884.4), dbSNP rs3818619, ClinGen allele CA13080078.

ClinVar aggregate classification (germline): Benign. Review status: criteria provided, multiple submitters, no conflicts (2 of 4 stars). 2 submissions from 2 submitters: Benign (2). Last evaluated 2023-11-12.

Allele frequency attached by ClinVar (database versions not stated): 1000 Genomes Project 0.47105; gnomAD exomes 0.48042; TOPMed 0.41723; gnomAD 0.41390 and 0.42399; 1000 Genomes Project 30x 0.46440.
gnomAD v4.1: 580,645 of 1,226,660 alleles (47%); highest among the groups gnomAD compares: East Asian, 79%; 142,402 homozygotes.

Submissions (6):

Unidad de Genómica Garrahan, Hospital de Pediatría Garrahan
Classification: Benign. Last evaluated: 2023-11-12. Review status: criteria provided, single submitter. Criteria: ACMG Guidelines, 2015. Collection method: clinical testing. Allele origin: germline. Affected: no. Observed: 32 variant alleles.
Comment: This variant is classified as Benign based on local population frequency. This variant was detected in 33% of patients studied by a panel of primary immunodeficiencies. Number of patients: 32. Only high quality variants are reported.

GeneDx
Classification: Benign. Last evaluated: 2018-06-14. Review status: criteria provided, single submitter. Criteria: GeneDx Variant Classification (06012015). Collection method: clinical testing. Allele origin: germline. Affected: yes.
Comment: This variant is considered likely benign or benign based on one or more of the following criteria: it is a conservative change, it occurs at a poorly conserved position in the protein, it is predicted to be benign by multiple in silico algorithms, and/or has population frequency not consistent with disease.

Dr. Peter K. Rogan Lab, Western University
No classification provided (evidence only). Condition: Malignant lymphoma, large B-cell, diffuse. Review status: no classification provided. Collection method: in vitro. Allele origin: not applicable. Functional consequence: retained intron. Not counted in ClinVar's aggregate classification.

Dr. Peter K. Rogan Lab, Western University
No classification provided (evidence only). Condition: Malignant lymphoma, large B-cell, diffuse. Review status: no classification provided. Collection method: in vitro. Allele origin: not applicable. Functional consequence: retained intron. Not counted in ClinVar's aggregate classification.

Dr. Peter K. Rogan Lab, Western University
No classification provided (evidence only). Condition: Malignant lymphoma, large B-cell, diffuse. Review status: no classification provided. Collection method: in vitro. Allele origin: not applicable. Functional consequence: retained intron. Not counted in ClinVar's aggregate classification.

Dr. Peter K. Rogan Lab, Western University
No classification provided (evidence only). Condition: Malignant lymphoma, large B-cell, diffuse. Review status: no classification provided. Collection method: in vitro. Allele origin: not applicable. Functional consequence: retained intron. Not counted in ClinVar's aggregate classification.